The following is an entry in ClinVar:

ClinVar aggregate classification (germline): Uncertain significance. Review status: criteria provided, multiple submitters, no conflicts (2 of 4 stars). 2 submissions from 2 submitters: Uncertain significance (2). Last evaluated 2024-10-03.

Conditions:
Multiple endocrine neoplasia, type 2 (MEN2). Identifiers: Orphanet 653, MedGen C4048306, MONDO:0019003. Disease mechanism: gain of function.

Submissions (2):

Labcorp Genetics (formerly Invitae), Labcorp
Classification: Uncertain significance for Multiple endocrine neoplasia, type 2. Last evaluated: 2024-10-03. Review status: criteria provided, single submitter. Criteria: Invitae Variant Classification Sherloc (09022015). Collection method: clinical testing. Allele origin: germline.
Comment: This sequence change replaces leucine, which is neutral and non-polar, with glutamine, which is neutral and polar, at codon 191 of the RET protein (p.Leu191Gln). This variant is not present in population databases (gnomAD no frequency). This variant has not been reported in the literature in individuals affected with RET-related conditions. An algorithm developed to predict the effect of missense changes on protein structure and function (PolyPhen-2) suggests that this variant is likely to be disruptive. In summary, the available evidence is currently insufficient to determine the role of this variant in disease. Therefore, it has been classified as a Variant of Uncertain Significance.

All of Us Research Program, National Institutes of Health
Classification: Uncertain significance for Multiple endocrine neoplasia, type 2. Last evaluated: 2023-05-16. Review status: criteria provided, single submitter. Criteria: ACMG Guidelines, 2015. Collection method: clinical testing. Allele origin: germline. Inheritance: Autosomal dominant inheritance. Observed: 1 variant allele, 1 heterozygote.
Comment: This missense variant replaces leucine with glutamine at codon 191 of the RET protein. Computational prediction suggests that this variant may not impact protein structure and function (internally defined REVEL score threshold <= 0.5, PMID: 27666373). To our knowledge, functional studies have not been reported for this variant. This variant has not been reported in individuals affected with RET-related disorders in the literature. This variant has not been identified in the general population by the Genome Aggregation Database (gnomAD). The available evidence is insufficient to determine the role of this variant in disease conclusively. Therefore, this variant is classified as a Variant of Uncertain Significance.

This study involves interpretation of variants in research participants for the purpose of population health screening. Participant phenotype was not available at the time of variant classification. Additional details can be found in publication PMID: 35346344, PMCID: PMC8962531

NM_020975.6(RET):c.572T>A (p.Leu191Gln)

Gene: RET (ret proto-oncogene; plus strand). Cytogenetic location: 10q11.21.
Variant type: single nucleotide variant.
Coding change: c.572T>A on transcript NM_020975.6 (MANE Select); coding-DNA position 572, T replaced by A.
Protein change: p.Leu191Gln; replaces leucine 191 with glutamine.
Molecular consequence: missense variant. On other transcripts: intron variant (15).
Genome position (GRCh38, 1-based): chr10:43,102,576, T>A. VCF-style: chr10-43102576-T-A. GRCh37 (hg19) VCF-style: chr10-43598024-T-A.
Other names: c.572T>A, p.Leu191Gln (NM_001406763.1, NM_001406765.1, NM_001406769.1 and 16 more transcripts); c.443T>A, p.Leu148Gln (NM_001406764.1, NM_001406768.1, NM_001406774.1 and 4 more transcripts); c.337+1854T>A (NM_001406770.1, NM_001406766.1, NM_001406767.1 and 8 more transcripts); c.74-6455T>A (NM_001406784.1); c.74-9523T>A (NM_001406794.1, NM_001406792.1, NM_001406793.1); short protein forms L191Q, L148Q.
Identifiers: ClinVar variation 2731565 (VCV002731565.4), dbSNP rs2492164016, ClinGen allele CA376543537.